The following is an entry in ClinVar:

NM_002230.4(JUP):c.2035G>T (p.Ala679Ser)

Gene: JUP (junction plakoglobin; minus strand). Cytogenetic location: 17q21.2.
Variant type: single nucleotide variant.
Coding change: c.2035G>T on transcript NM_002230.4 (MANE Select); coding-DNA position 2035, G replaced by T.
Protein change: p.Ala679Ser; replaces alanine 679 with serine.
Molecular consequence: missense variant.
Genome position (GRCh38, 1-based): chr17:41,757,426, C>A on the plus strand (G>T on the coding strand, the complement: JUP is on the minus strand). VCF-style: chr17-41757426-C-A. GRCh37 (hg19) VCF-style: chr17-39913678-C-A.
Other names: c.2035G>T, p.Ala679Ser (NM_001352773.2, NM_001352774.2, NM_001352775.2 and 3 more transcripts); short protein forms A679S.
Identifiers: ClinVar variation 2122687 (VCV002122687.4), dbSNP rs2544031588, ClinGen allele CA399491715.
Genomic context (GRCh38, chr17:41,757,426, plus strand): 5'-GTGCCCAACTTGCACAACCAACTACTGTGGTCCAACCTAGGATACTCACAGCCTCCCAGG[C>A]AGCCGGGTCATGCTTGAAGAGGGAGTTGGTGAGCTCCACGGACACGCGCTTCCGGTAGTC-3'
Protein context (NP_002221.1, residues 669-689): TNSLFKHDPA[Ala679Ser]WEAAQSMIPI

ClinVar aggregate classification (germline): Uncertain significance (1 of 4 stars; one submission).

Conditions:
Naxos disease (NXD). Also called: KERATOSIS PALMOPLANTARIS WITH ARRHYTHMOGENIC CARDIOMYOPATHY; MAL DE NAXOS; CARDIOMYOPATHY, ARRHYTHMOGENIC RIGHT VENTRICULAR, WITH SKIN, HAIR, AND NAIL ABNORMALITIES; PALMOPLANTAR KERATODERMA WITH ARRHYTHMOGENIC RIGHT VENTRICULAR CARDIOMYOPATHY AND WOOLLY HAIR; WOOLLY HAIR, PALMOPLANTAR KERATODERMA, AND CARDIAC ABNORMALITIES. Identifiers: Orphanet 34217, MedGen C1832600, MONDO:0011017, OMIM 601214.
Arrhythmogenic right ventricular dysplasia 12. Also called: ARRHYTHMOGENIC RIGHT VENTRICULAR DYSPLASIA, FAMILIAL, 12. Identifiers: MedGen C1969081, MONDO:0012684, OMIM 611528.

Submission:

Labcorp Genetics (formerly Invitae), Labcorp
Classification: Uncertain significance for Arrhythmogenic right ventricular dysplasia 12; Naxos disease. Last evaluated: 2022-04-21. Review status: criteria provided, single submitter. Criteria: Invitae Variant Classification Sherloc (09022015). Collection method: clinical testing. Allele origin: germline.
Comment: This sequence change replaces alanine, which is neutral and non-polar, with serine, which is neutral and polar, at codon 679 of the JUP protein (p.Ala679Ser). This variant is not present in population databases (gnomAD no frequency). This variant has not been reported in the literature in individuals affected with JUP-related conditions. In summary, the available evidence is currently insufficient to determine the role of this variant in disease. Therefore, it has been classified as a Variant of Uncertain Significance. Algorithms developed to predict the effect of missense changes on protein structure and function (SIFT, PolyPhen-2, Align-GVGD) all suggest that this variant is likely to be tolerated.